The following is an entry in ClinVar:

NM_001128159.3(VPS53):c.503G>A (p.Arg168Gln)

Gene: VPS53 (VPS53 subunit of GARP complex; minus strand). Cytogenetic location: 17p13.3.
Variant type: single nucleotide variant.
Coding change: c.503G>A on transcript NM_001128159.3 (MANE Select); coding-DNA position 503, G replaced by A.
Protein change: p.Arg168Gln; replaces arginine 168 with glutamine.
Molecular consequence: missense variant. On other transcripts: 5 prime UTR variant (1).
Genome position (GRCh38, 1-based): chr17:653,396, C>T on the plus strand (G>A on the coding strand, the complement: VPS53 is on the minus strand). VCF-style: chr17-653396-C-T. GRCh37 (hg19) VCF-style: chr17-556636-C-T.
Other names: p.Arg168Gln; c.503G>A, p.Arg168Gln (NM_001366253.2); c.-190G>A (NM_001366254.2); c.416G>A, p.Arg139Gln (NM_018289.4); short protein forms R139Q, R168Q.
Identifiers: ClinVar variation 4857607 (VCV004857607.2).
Genomic context (GRCh38, chr17:653,396, plus strand): 5'-AAGTGCTCCAGGACATTCATCACACCCTGAAGGAGATTAGCAACTTCTCCGTATTGTCTT[C>T]GCCTGGTCATGGCTCTGCAAGGAAAGAATAAGTTTAAAAGTCTAGAAAAACACTAAAGAC-3'
Protein context (NP_001121631.1, residues 158-178): GVDSLEAMTR[Arg168Gln]RQYGEVANLL

ClinVar aggregate classification (germline): Uncertain significance (1 of 4 stars; one submission).

Conditions:
Pontocerebellar hypoplasia type 2E. Identifiers: Orphanet 247198, MedGen C4014488, MONDO:0014370, OMIM 615851.
Pontocerebellar hypoplasia type 2A (PCH2A). Also called: PONTOCEREBELLAR HYPOPLASIA WITH PROGRESSIVE CEREBRAL ATROPHY; VOLENDAM NEURODEGENERATIVE DISEASE. Identifiers: Orphanet 2524, MedGen C1848526, MONDO:0010190, OMIM 277470.

Submission:

Department of Molecular Genetics, Istishari Arab Hospital
Classification: Uncertain significance for Pontocerebellar hypoplasia type 2E; Pontocerebellar hypoplasia type 2A. Last evaluated: 2026-10-08. Review status: criteria provided, single submitter. Criteria: ACMG Guidelines, 2015. Collection method: clinical testing. Allele origin: germline. Inheritance: Autosomal recessive inheritance. Affected: yes.
Comment: The VPS53 variant c.503G>A, p.Arg168Gln creates an amino acid change from Arg to Gln at position 168 in exon 7 (of 22). The variant is observed at an extremely low frequency in the gnomAD v4.1.0 dataset (total allele frequency: <0.001%). It is classified as a variant of uncertain significance based on ACMG/AMP/ClinGen SVI guidelines.